The following is an entry in ClinVar:

ClinVar aggregate classification (germline): Likely benign. Review status: criteria provided, multiple submitters, no conflicts (2 of 4 stars). 5 submissions from 5 submitters: Likely benign (5). Last evaluated 2026-01-27.

Conditions:
BACH2-related disorder. Also called: BACH2-related condition.

Allele frequency attached by ClinVar (database versions not stated): gnomAD 0.00009 and 0.00011; ExAC 0.00013; 1000 Genomes Project 30x 0.00016; 1000 Genomes Project 0.00020.
gnomAD v4.1: 183 of 1,613,590 alleles (0.011%); highest among the groups gnomAD compares: Middle Eastern, 0.33%; no homozygotes.

Submissions (5):

Labcorp Genetics (formerly Invitae), Labcorp
Classification: Likely benign. Last evaluated: 2026-01-27. Review status: criteria provided, single submitter. Criteria: Invitae Variant Classification Sherloc (09022015). Collection method: clinical testing. Allele origin: germline.

Mayo Clinic Laboratories, Mayo Clinic
Classification: Likely benign. Last evaluated: 2025-02-18. Review status: criteria provided, single submitter. Criteria: ACMG Guidelines, 2015. Collection method: clinical testing. Allele origin: germline. Observed: 1 variant allele.
Comment: BP4, BP7

PreventionGenetics, part of Exact Sciences
Classification: Likely benign for BACH2-related condition. Last evaluated: 2024-10-30. Review status: criteria provided, single submitter. Criteria: ACMG Guidelines, 2015. Collection method: clinical testing. Allele origin: germline.
Comment: This variant is classified as likely benign based on ACMG/AMP sequence variant interpretation guidelines (Richards et al. 2015 PMID: 25741868, with internal and published modifications).

Blueprint Genetics
Classification: Likely benign. Last evaluated: 2024-10-03. Review status: criteria provided, single submitter. Criteria: ACMG Guidelines, 2015. Collection method: clinical testing. Allele origin: germline.

Breakthrough Genomics
Classification: Likely benign. Review status: criteria provided, single submitter. Criteria: ACMG Guidelines, 2015. Collection method: not provided. Allele origin: germline. Inheritance: Autosomal dominant inheritance. Affected: yes.

NM_021813.4(BACH2):c.1587G>A (p.Ala529=)

Gene: BACH2 (BACH transcriptional regulator 2; minus strand). Cytogenetic location: 6q15.
Variant type: single nucleotide variant.
Coding change: c.1587G>A on transcript NM_021813.4 (MANE Select); coding-DNA position 1587, G replaced by A.
Protein change: p.Ala529=; no amino-acid change (alanine 529 retained).
Molecular consequence: synonymous variant.
Genome position (GRCh38, 1-based): chr6:89,950,519, C>T on the plus strand (G>A on the coding strand, the complement: BACH2 is on the minus strand). VCF-style: chr6-89950519-C-T. GRCh37 (hg19) VCF-style: chr6-90660238-C-T.
Other names: p.Ala529=; c.1587G>A, p.Ala529= (NM_001170794.2); c.1587G>A (NM_021813.3).
Identifiers: ClinVar variation 1082837 (VCV001082837.13), dbSNP rs201945601, ClinGen allele CA3927959.